The following is an entry in ClinVar:

ClinVar aggregate classification (germline): Uncertain significance (1 of 4 stars; one submission).

Submission:

Labcorp Genetics (formerly Invitae), Labcorp
Classification: Uncertain significance. Last evaluated: 2022-06-10. Review status: criteria provided, single submitter. Criteria: Invitae Variant Classification Sherloc (09022015). Collection method: clinical testing. Allele origin: germline.
Comment: In summary, the available evidence is currently insufficient to determine the role of this variant in disease. Therefore, it has been classified as a Variant of Uncertain Significance. Advanced modeling of protein sequence and biophysical properties (such as structural, functional, and spatial information, amino acid conservation, physicochemical variation, residue mobility, and thermodynamic stability) performed at Invitae indicates that this missense variant is not expected to disrupt ABCA4 protein function. This variant has not been reported in the literature in individuals affected with ABCA4-related conditions. This variant is not present in population databases (gnomAD no frequency). This sequence change replaces lysine, which is basic and polar, with arginine, which is basic and polar, at codon 1182 of the ABCA4 protein (p.Lys1182Arg).

NM_000350.3(ABCA4):c.3545A>G (p.Lys1182Arg)

Gene: ABCA4 (ATP binding cassette subfamily A member 4; minus strand). Cytogenetic location: 1p22.1.
Variant type: single nucleotide variant.
Coding change: c.3545A>G on transcript NM_000350.3 (MANE Select); coding-DNA position 3545, A replaced by G.
Protein change: p.Lys1182Arg; replaces lysine 1182 with arginine.
Molecular consequence: missense variant.
Genome position (GRCh38, 1-based): chr1:94,040,105, T>C on the plus strand (A>G on the coding strand, the complement: ABCA4 is on the minus strand). VCF-style: chr1-94040105-T-C. GRCh37 (hg19) VCF-style: chr1-94505661-T-C.
Other names: c.3323A>G, p.Lys1108Arg (NM_001425324.1); short protein forms K1182R, K1108R.
Identifiers: ClinVar variation 2001540 (VCV002001540.4), dbSNP rs2523760584, ClinGen allele CA341290159.
Genomic context (GRCh38, chr1:94,040,105, plus strand): 5'-TCCAGGACTTGTTCTGGAGTTAGGTCATCGACGTGGGCTGGACACGTGGTGGAGAAACCC[T>C]TAGACGAGCAGCTGCAGGTCCCCTGCAACAGATGGATGGGATGACTGACAAGATGCACAT-3'
Protein context (NP_000341.2, residues 1172-1192): GSEGTCSCSS[Lys1182Arg]GFSTTCPAHV